The following is an entry in ClinVar:

ClinVar aggregate classification (germline): Likely benign. Review status: criteria provided, multiple submitters, no conflicts (2 of 4 stars). 2 submissions from 2 submitters: Likely benign (2). Last evaluated 2018-06-19.

Allele frequency attached by ClinVar (database versions not stated): TOPMed 0.01579; gnomAD 0.01763 and 0.01440; gnomAD exomes 0.01984; 1000 Genomes Project 30x 0.03779; 1000 Genomes Project 0.04034.

Submissions (2):

GeneDx
Classification: Likely benign. Last evaluated: 2018-06-19. Review status: criteria provided, single submitter. Criteria: GeneDx Variant Classification (06012015). Collection method: clinical testing. Allele origin: germline. Affected: yes.
Comment: This variant is considered likely benign or benign based on one or more of the following criteria: it is a conservative change, it occurs at a poorly conserved position in the protein, it is predicted to be benign by multiple in silico algorithms, and/or has population frequency not consistent with disease.

Breakthrough Genomics
Classification: Likely benign. Review status: criteria provided, single submitter. Criteria: ACMG Guidelines, 2015. Collection method: not provided. Allele origin: germline. Inheritance: Unknown mechanism. Affected: yes.

NM_000308.2(CTSA):c.-223G>A

Genes: CTSA (cathepsin A; plus strand), NEURL2 (neuralized E3 ubiquitin protein ligase 2; minus strand). Cytogenetic location: 20q13.12.
Variant type: single nucleotide variant.
Coding change: c.-223G>A on transcript NM_000308.2; 223 bases upstream of the start codon, G replaced by A.
Molecular consequence: 5 prime UTR variant (on NM_080749.4).
Genome position (GRCh38, 1-based): chr20:45,891,103, G>A. VCF-style: chr20-45891103-G-A. GRCh37 (hg19) VCF-style: chr20-44519742-G-A.
Other names: c.-112C>T (NM_001278535.2, NM_080749.4).
Identifiers: ClinVar variation 338519 (VCV000338519.9), dbSNP rs117529875, ClinGen allele CA10652552.
Genomic context (GRCh38, chr20:45,891,103, plus strand): 5'-GGCAATGATGGTGACCGCAAGGCGACCTTGTAAGGCATTTCCCCCCTGACTCCCTTCCCC[G>A]AGCCTCTGCCCGGGGGTCCTAGCGCCGCTTTCTCAGCCATCCCGCCTACAACTTAGCCGT-3'